The following is an entry in ClinVar:

NM_001365276.2(TNXB):c.12053C>T (p.Thr4018Ile)

Genes: TNXB (tenascin XB; minus strand), LOC106780803 (tenascin XB recombination region; plus strand). Cytogenetic location: 6p21.33.
Variant type: single nucleotide variant.
Coding change: c.12053C>T on transcript NM_001365276.2 (MANE Select); coding-DNA position 12053, C replaced by T.
Protein change: p.Thr4018Ile; replaces threonine 4018 with isoleucine.
Molecular consequence: missense variant.
Genome position (GRCh38, 1-based): chr6:32,042,704, G>A on the plus strand (C>T on the coding strand, the complement: TNXB is on the minus strand). VCF-style: chr6-32042704-G-A. GRCh37 (hg19) VCF-style: chr6-32010481-G-A.
Other names: p.Thr4016Ile; c.12047C>T (NM_019105.6); c.12047C>T, p.Thr4016Ile (NM_019105.8); c.1340C>T, p.Thr447Ile (NM_032470.4); short protein forms T4016I, T4018I, T447I.
Identifiers: ClinVar variation 1176192 (VCV001176192.38), dbSNP rs972769832, ClinGen allele CA136895989.

ClinVar aggregate classification (germline): Uncertain significance. Review status: criteria provided, multiple submitters, no conflicts (2 of 4 stars). 3 submissions from 3 submitters: Uncertain significance (3). Last evaluated 2025-10-06.

Conditions:
Cardiovascular phenotype. Identifiers: MedGen CN230736.

Allele frequency attached by ClinVar (database versions not stated): gnomAD exomes 0.00005 and 0.00008; gnomAD 0.00007.
gnomAD v4.1: 66 of 1,108,176 alleles (0.006%); highest among the groups gnomAD compares: Admixed American, 0.0086%; 1 homozygote.

Submissions (3):

Mayo Clinic Laboratories, Mayo Clinic
Classification: Uncertain significance. Last evaluated: 2025-10-06. Review status: criteria provided, single submitter. Criteria: ACMG Guidelines, 2015. Collection method: clinical testing. Allele origin: germline. Observed: 1 variant allele.
Comment: BP4_moderate

Ambry Genetics
Classification: Uncertain significance for Cardiovascular phenotype. Last evaluated: 2024-01-04. Review status: criteria provided, single submitter. Criteria: Ambry Variant Classification Scheme 2023. Collection method: clinical testing. Allele origin: germline.

CeGaT Center for Human Genetics Tuebingen
Classification: Uncertain significance. Last evaluated: 2021-06-01. Review status: criteria provided, single submitter. Criteria: CeGaT Center For Human Genetics Tuebingen Variant Classification Criteria Version 2. Collection method: clinical testing. Allele origin: germline. Affected: yes. Observed: 1 variant allele.